The following is an entry in ClinVar:

ClinVar aggregate classification (germline): Conflicting classifications of pathogenicity. Review status: criteria provided, conflicting classifications (1 of 4 stars). 2 submissions from 2 submitters: Uncertain significance (1); Likely benign (1). Last evaluated 2026-04-22.

Conditions:
Hereditary breast ovarian cancer syndrome. Also called: Breast and ovarian cancer; Hereditary breast and ovarian cancer syndrome (HBOC); BRCA1- and BRCA2-Associated Hereditary Breast and Ovarian Cancer; Hereditary breast and ovarian cancer syndrome; Hereditary breast and ovarian cancer; Hereditary breast and/or ovarian cancer syndrome. Identifiers: Orphanet 145, MedGen C0677776, MeSH D061325, MONDO:0003582. Disease mechanism: loss of function.
Hereditary cancer-predisposing syndrome. Also called: Hereditary neoplastic syndrome; Neoplastic Syndromes, Hereditary; Tumor predisposition; Hereditary Cancer Syndrome. Identifiers: Orphanet 140162, MedGen C0027672, MeSH D009386, MONDO:0015356.

Submissions (2):

Ambry Genetics
Classification: Likely benign for Hereditary cancer-predisposing syndrome. Last evaluated: 2026-04-22. Review status: criteria provided, single submitter. Criteria: Ambry Variant Classification Scheme 2023. Collection method: clinical testing. Allele origin: germline.

Labcorp Genetics (formerly Invitae), Labcorp
Classification: Uncertain significance for Hereditary breast ovarian cancer syndrome. Last evaluated: 2023-05-31. Review status: criteria provided, single submitter. Criteria: Invitae Variant Classification Sherloc (09022015). Collection method: clinical testing. Allele origin: germline.
Comment: This sequence change replaces serine, which is neutral and polar, with asparagine, which is neutral and polar, at codon 140 of the BRCA2 protein (p.Ser140Asn). This variant is not present in population databases (gnomAD no frequency). This variant has not been reported in the literature in individuals affected with BRCA2-related conditions. Advanced modeling of protein sequence and biophysical properties (such as structural, functional, and spatial information, amino acid conservation, physicochemical variation, residue mobility, and thermodynamic stability) performed at Invitae indicates that this missense variant is not expected to disrupt BRCA2 protein function. In summary, the available evidence is currently insufficient to determine the role of this variant in disease. Therefore, it has been classified as a Variant of Uncertain Significance.

NM_000059.4(BRCA2):c.419G>A (p.Ser140Asn)

Gene: BRCA2 (BRCA2 DNA repair associated; plus strand). Cytogenetic location: 13q13.1.
Variant type: single nucleotide variant.
Coding change: c.419G>A on transcript NM_000059.4 (MANE Select); coding-DNA position 419, G replaced by A.
Protein change: p.Ser140Asn; replaces serine 140 with asparagine.
Molecular consequence: missense variant. On other transcripts: non-coding transcript variant (1).
Genome position (GRCh38, 1-based): chr13:32,325,178, G>A. VCF-style: chr13-32325178-G-A. GRCh37 (hg19) VCF-style: chr13-32899315-G-A.
Other names: c.419G>A, p.Ser140Asn (NM_001406719.1, NM_001406720.1, NM_001406721.1); c.50G>A, p.Ser17Asn (NM_001406722.1); short protein forms S140N, S17N.
Identifiers: ClinVar variation 2861035 (VCV002861035.4), dbSNP rs2137447027, ClinGen allele CA387756767.